The following is an entry in ClinVar:

NM_017999.5(RNF31):c.1405dup (p.Leu469fs)

Gene: RNF31 (ring finger protein 31; plus strand). Cytogenetic location: 14q12.
Variant type: Duplication.
Coding change: c.1405dup on transcript NM_017999.5 (MANE Select); coding-DNA position 1405, one base duplicated (C; older notation c.1405dupC).
Protein change: p.Leu469fs; shifts the reading frame from leucine 469.
Molecular consequence: frameshift variant.
Genome position (GRCh38, 1-based): chr14:24,150,805, C duplicated; the last of 6 consecutive C bases (chr14:24,150,800-24,150,805); duplicating any one gives the same sequence. VCF-style (leftmost placement, unchanged base first): chr14-24150799-G-GC. GRCh37 (hg19) VCF-style: chr14-24620008-G-GC.
Other names: c.952dup, p.Leu318fs (NM_001310332.2); short protein forms L318fs, L469fs.
Identifiers: ClinVar variation 3654823 (VCV003654823.2).

ClinVar aggregate classification (germline): Uncertain significance (1 of 4 stars; one submission).

Submission:

Labcorp Genetics (formerly Invitae), Labcorp
Classification: Uncertain significance. Last evaluated: 2024-05-27. Review status: criteria provided, single submitter. Criteria: Invitae Variant Classification Sherloc (09022015). Collection method: clinical testing. Allele origin: germline.
Comment: This sequence change creates a premature translational stop signal (p.Leu469Profs*9) in the RNF31 gene. It is expected to result in an absent or disrupted protein product. However, the current clinical and genetic evidence is not sufficient to establish whether loss-of-function variants in RNF31 cause disease. This variant is not present in population databases (gnomAD no frequency). This variant has not been reported in the literature in individuals affected with RNF31-related conditions. In summary, the available evidence is currently insufficient to determine the role of this variant in disease. Therefore, it has been classified as a Variant of Uncertain Significance.